The following is an entry in ClinVar:

NM_004629.2(FANCG):c.409T>G (p.Ser137Ala)

Gene: FANCG (FA complementation group G; minus strand). Cytogenetic location: 9p13.3.
Variant type: single nucleotide variant.
Coding change: c.409T>G on transcript NM_004629.2 (MANE Select); coding-DNA position 409, T replaced by G.
Protein change: p.Ser137Ala; replaces serine 137 with alanine.
Molecular consequence: missense variant.
Genome position (GRCh38, 1-based): chr9:35,078,242, A>C on the plus strand (T>G on the coding strand, the complement: FANCG is on the minus strand). VCF-style: chr9-35078242-A-C. GRCh37 (hg19) VCF-style: chr9-35078239-A-C.
Other names: short protein forms S137A.
Identifiers: ClinVar variation 4825753 (VCV004825753.1).

ClinVar aggregate classification (germline): Uncertain significance (1 of 4 stars; one submission).

Conditions:
Inborn genetic diseases. Identifiers: MedGen C0950123, MeSH D030342.

Submission:

Ambry Genetics
Classification: Uncertain significance for Inborn genetic diseases. Last evaluated: 2026-03-03. Review status: criteria provided, single submitter. Criteria: Ambry Variant Classification Scheme 2023. Collection method: clinical testing. Allele origin: germline.
Comment: The p.S137A variant (also known as c.409T>G), located in coding exon 4 of the FANCG gene, results from a T to G substitution at nucleotide position 409. The serine at codon 137 is replaced by alanine, an amino acid with similar properties. This amino acid position is conserved. In addition, this alteration is predicted to be tolerated by in silico analysis. Based on the available evidence, the clinical significance of this variant remains unclear.